The following is an entry in ClinVar:

NM_001204.7(BMPR2):c.716A>G (p.Asn239Ser)

Gene: BMPR2 (bone morphogenetic protein receptor type 2; plus strand). Cytogenetic location: 2q33.2.
Variant type: single nucleotide variant.
Coding change: c.716A>G on transcript NM_001204.7 (MANE Select); coding-DNA position 716, A replaced by G.
Protein change: p.Asn239Ser; replaces asparagine 239 with serine.
Molecular consequence: missense variant.
Genome position (GRCh38, 1-based): chr2:202,518,916, A>G. VCF-style: chr2-202518916-A-G. GRCh37 (hg19) VCF-style: chr2-203383639-A-G.
Other names: short protein forms N239S.
Identifiers: ClinVar variation 4214520 (VCV004214520.1).

ClinVar aggregate classification (germline): Uncertain significance (1 of 4 stars; one submission).

Conditions:
Inborn genetic diseases. Identifiers: MedGen C0950123, MeSH D030342.

Submission:

Ambry Genetics
Classification: Uncertain significance for Inborn genetic diseases. Last evaluated: 2025-08-20. Review status: criteria provided, single submitter. Criteria: Ambry Variant Classification Scheme 2023. Collection method: clinical testing. Allele origin: germline.
Comment: The p.N239S variant (also known as c.716A>G), located in coding exon 6 of the BMPR2 gene, results from an A to G substitution at nucleotide position 716. The asparagine at codon 239 is replaced by serine, an amino acid with highly similar properties. This amino acid position is conserved. In addition, this alteration is predicted to be tolerated by in silico analysis. Based on the available evidence, the clinical significance of this variant remains unclear.